The following is an entry in ClinVar:

ClinVar aggregate classification (germline): Uncertain significance. Review status: criteria provided, multiple submitters, no conflicts (2 of 4 stars). 2 submissions from 2 submitters: Uncertain significance (2). Last evaluated 2026-07-09.

Conditions:
Tuberous sclerosis 2 (TSC2). Identifiers: Orphanet 805, MedGen C1860707, MONDO:0013199, OMIM 613254.
Hereditary cancer-predisposing syndrome. Also called: Hereditary Cancer Syndrome; Hereditary neoplastic syndrome; Neoplastic Syndromes, Hereditary; Tumor predisposition. Identifiers: Orphanet 140162, MedGen C0027672, MeSH D009386, MONDO:0015356.

Submissions (2):

Ambry Genetics
Classification: Uncertain significance for Hereditary cancer-predisposing syndrome. Last evaluated: 2026-07-09. Review status: criteria provided, single submitter. Criteria: Ambry Variant Classification Scheme 2023. Collection method: clinical testing. Allele origin: germline.
Comment: The c.3562C>T (p.P1188S) alteration is located in exon 30 (coding exon 29) of the TSC2 gene. This alteration results from a C to T substitution at nucleotide position 3562, causing the proline (P) at amino acid position 1188 to be replaced by a serine (S). This variant was not reported in population-based cohorts in the Genome Aggregation Database (gnomAD). This amino acid position is highly conserved in available vertebrate species. This alteration is predicted to be deleterious by in silico analysis. Based on insufficient or conflicting evidence, the clinical significance of this alteration remains unclear.

Labcorp Genetics (formerly Invitae), Labcorp
Classification: Uncertain significance for Tuberous sclerosis 2. Last evaluated: 2024-05-22. Review status: criteria provided, single submitter. Criteria: Invitae Variant Classification Sherloc (09022015). Collection method: clinical testing. Allele origin: germline.
Comment: This sequence change replaces proline, which is neutral and non-polar, with serine, which is neutral and polar, at codon 1188 of the TSC2 protein (p.Pro1188Ser). This variant is not present in population databases (gnomAD no frequency). This variant has not been reported in the literature in individuals affected with TSC2-related conditions. Advanced modeling of protein sequence and biophysical properties (such as structural, functional, and spatial information, amino acid conservation, physicochemical variation, residue mobility, and thermodynamic stability) performed at Invitae indicates that this missense variant is not expected to disrupt TSC2 protein function with a negative predictive value of 95%. In summary, the available evidence is currently insufficient to determine the role of this variant in disease. Therefore, it has been classified as a Variant of Uncertain Significance.

NM_000548.5(TSC2):c.3562C>T (p.Pro1188Ser)

Gene: TSC2 (TSC complex subunit 2; plus strand). Cytogenetic location: 16p13.3.
Variant type: single nucleotide variant.
Coding change: c.3562C>T on transcript NM_000548.5 (MANE Select); coding-DNA position 3562, C replaced by T.
Protein change: p.Pro1188Ser; replaces proline 1188 with serine.
Molecular consequence: missense variant. On other transcripts: non-coding transcript variant (5).
Genome position (GRCh38, 1-based): chr16:2,080,329, C>T. VCF-style: chr16-2080329-C-T. GRCh37 (hg19) VCF-style: chr16-2130330-C-T.
Other names: c.3430C>T, p.Pro1144Ser (NM_001077183.3, NM_001370404.1, NM_001406665.1); c.3562C>T, p.Pro1188Ser (NM_001114382.3); c.3322C>T, p.Pro1108Ser (NM_001318827.2); c.3286C>T, p.Pro1096Ser (NM_001318829.2); c.2830C>T, p.Pro944Ser (NM_001318831.2, NM_001406687.1, NM_001406688.1); c.3463C>T, p.Pro1155Ser (NM_001318832.2); c.3433C>T, p.Pro1145Ser (NM_001363528.2, NM_001370405.1, NM_021055.3); c.3559C>T, p.Pro1187Ser (NM_001406663.1, NM_001406664.1); and 18 more; short protein forms P1107S, P1140S, P696S, P740S, P944S, P1125S, P1175S, P697S.
Identifiers: ClinVar variation 2891225 (VCV002891225.5), dbSNP rs2151461242, ClinGen allele CA394289564.